The following is an entry in ClinVar:

ClinVar aggregate classification (germline): Benign/Likely benign. Review status: criteria provided, multiple submitters, no conflicts (2 of 4 stars). 6 submissions from 6 submitters: Benign (1); Likely benign (5). Last evaluated 2026-08-01.

Conditions:
Connective tissue disorder. Also called: Connective tissue disease. Identifiers: MedGen C0009782, MONDO:0003900.
COL9A3-related disorder. Also called: COL9A3-related condition.

Allele frequency attached by ClinVar (database versions not stated): gnomAD 0.00011 and 0.00022; TOPMed 0.00014; gnomAD exomes 0.00033 and 0.00035; 1000 Genomes Project 30x 0.00047; ExAC 0.00059; 1000 Genomes Project 0.00060.
gnomAD v4.1: 540 of 1,608,026 alleles (0.034%); highest among the groups gnomAD compares: East Asian, 1.1%; 7 homozygotes.

Submissions (6):

CeGaT Center for Human Genetics Tuebingen
Classification: Likely benign. Last evaluated: 2026-08-01. Review status: criteria provided, single submitter. Criteria: CeGaT Center For Human Genetics Tuebingen Variant Classification Criteria Version 2. Collection method: clinical testing. Allele origin: germline. Affected: yes. Observed: 1 variant allele.
Comment: COL9A3: BP4, BP7, BS1

Labcorp Genetics (formerly Invitae), Labcorp
Classification: Benign. Last evaluated: 2026-01-06. Review status: criteria provided, single submitter. Criteria: Invitae Variant Classification Sherloc (09022015). Collection method: clinical testing. Allele origin: germline.

PreventionGenetics, part of Exact Sciences
Classification: Likely benign for COL9A3-related condition. Last evaluated: 2025-03-07. Review status: criteria provided, single submitter. Criteria: ACMG Guidelines, 2015. Collection method: clinical testing. Allele origin: germline.
Comment: This variant is classified as likely benign based on ACMG/AMP sequence variant interpretation guidelines (Richards et al. 2015 PMID: 25741868, with internal and published modifications).

Blueprint Genetics
Classification: Likely benign. Last evaluated: 2024-02-19. Review status: criteria provided, single submitter. Criteria: ACMG Guidelines, 2015. Collection method: clinical testing. Allele origin: germline.

GeneDx
Classification: Likely benign. Last evaluated: 2020-08-04. Review status: criteria provided, single submitter. Criteria: GeneDx Variant Classification Process June 2021. Collection method: clinical testing. Allele origin: germline. Affected: yes.

Genome Diagnostics Laboratory, The Hospital for Sick Children
Classification: Likely benign for Connective tissue disorder. Last evaluated: 2020-05-01. Review status: criteria provided, single submitter. Criteria: ACMG Guidelines, 2015. Collection method: clinical testing. Allele origin: germline.

NM_001853.4(COL9A3):c.1245C>A (p.Gly415=)

Gene: COL9A3 (collagen type IX alpha 3 chain; plus strand). Cytogenetic location: 20q13.33.
Variant type: single nucleotide variant.
Coding change: c.1245C>A on transcript NM_001853.4 (MANE Select); coding-DNA position 1245, C replaced by A.
Protein change: p.Gly415=; no amino-acid change (glycine 415 retained).
Molecular consequence: synonymous variant.
Genome position (GRCh38, 1-based): chr20:62,830,546, C>A. VCF-style: chr20-62830546-C-A. GRCh37 (hg19) VCF-style: chr20-61461898-C-A.
Other names: c.1245C>A, p.Gly415= (LRG_1253t1).
Identifiers: ClinVar variation 339287 (VCV000339287.18), dbSNP rs73598379, ClinGen allele CA9949849.